The following is an entry in ClinVar:

ClinVar aggregate classification (germline): Pathogenic (1 of 4 stars; one submission).

Conditions:
X-linked severe combined immunodeficiency (SCIDX1). Also called: X-Linked Combined Immunodeficiency Diseases; IMMUNODEFICIENCY 4; SCID, X-LINKED; SEVERE COMBINED IMMUNODEFICIENCY, X-LINKED, T CELL-NEGATIVE, B CELL-POSITIVE, NK CELL-NEGATIVE; T-B+ severe combined immunodeficiency due to gamma chain deficiency. Identifiers: Orphanet 276, MedGen C6022468, MONDO:0010315, OMIM 300400. Disease mechanism: loss of function.

Submission:

Labcorp Genetics (formerly Invitae), Labcorp
Classification: Pathogenic for X-linked severe combined immunodeficiency. Last evaluated: 2024-06-17. Review status: criteria provided, single submitter. Criteria: Invitae Variant Classification Sherloc (09022015). Collection method: clinical testing. Allele origin: germline.
Comment: This sequence change creates a premature translational stop signal (p.Ile27Asnfs*8) in the IL2RG gene. It is expected to result in an absent or disrupted protein product. Loss-of-function variants in IL2RG are known to be pathogenic (PMID: 9058718, 10794430). This variant is not present in population databases (gnomAD no frequency). This variant has not been reported in the literature in individuals affected with IL2RG-related conditions. ClinVar contains an entry for this variant (Variation ID: 2128616). Algorithms developed to predict the effect of sequence changes on RNA splicing suggest that this variant may disrupt the consensus splice site. For these reasons, this variant has been classified as Pathogenic.

Literature cited by the submitters: PubMed 9058718; PubMed 10794430.

NM_000206.3(IL2RG):c.79dup (p.Ile27fs)

Genes: IL2RG (interleukin 2 receptor subunit gamma; minus strand), LOC126863274 (MED14-independent group 3 enhancer GRCh37_chrX:70330888-70332087; plus strand). Cytogenetic location: Xq13.1.
Variant type: Duplication.
Coding change: c.79dup on transcript NM_000206.3 (MANE Select); coding-DNA position 79, one base duplicated (A; older notation c.79dupA).
Protein change: p.Ile27fs; shifts the reading frame from isoleucine 27.
Molecular consequence: frameshift variant.
Genome position (GRCh38, 1-based): chrX:71,111,461, T duplicated on the plus strand (A on the coding strand, the reverse complement: IL2RG is on the minus strand); the first of 2 consecutive T bases (chrX:71,111,461-71,111,462); duplicating either gives the same sequence. VCF-style (leftmost placement, unchanged base first): chrX-71111460-A-AT. GRCh37 (hg19) VCF-style: chrX-70331310-A-AT.
Other names: short protein forms I27fs.
Identifiers: ClinVar variation 2128616 (VCV002128616.4), dbSNP rs2519648692, ClinGen allele CA2580101353.